The following is an entry in ClinVar:

ClinVar aggregate classification (germline): Benign/Likely benign. Review status: criteria provided, multiple submitters, no conflicts (2 of 4 stars). 3 submissions from 3 submitters: Benign (2); Likely benign (1). Last evaluated 2026-02-02.

Conditions:
Episodic ataxia type 2 (EA2). Also called: ATAXIA, EPISODIC, WITH NYSTAGMUS; ATAXIA, FAMILIAL PAROXYSMAL; CEREBELLAR ATAXIA, PAROXYSMAL, ACETAZOLAMIDE-RESPONSIVE; CEREBELLOPATHY, HEREDITARY PAROXYSMAL; EPISODIC ATAXIA, NYSTAGMUS-ASSOCIATED; ACETAZOLAMIDE-RESPONSIVE HEREDITARY PAROXYSMAL CEREBELLAR ATAXIA. Identifiers: Orphanet 97, MedGen C1720416, MONDO:0007163, OMIM 108500.
Developmental and epileptic encephalopathy, 42 (DEE42A). Also called: DEVELOPMENTAL AND EPILEPTIC ENCEPHALOPATHY 42A; EPILEPTIC ENCEPHALOPATHY, EARLY INFANTILE, 42A; Epileptic encephalopathy, early infantile, 42. Identifiers: MedGen C4310716, MONDO:0014917, OMIM 617106.
Spinocerebellar ataxia type 6 (SCA6). Identifiers: Orphanet 98758, MedGen C0752124, MONDO:0008457, OMIM 183086.
Migraine, familial hemiplegic, 1. Also called: MIGRAINE, FAMILIAL HEMIPLEGIC 1, WITH PROGRESSIVE CEREBELLAR ATAXIA. Identifiers: Orphanet 569, MedGen C1832884, MONDO:0020756, OMIM 141500, MONDO:0007714.

Allele frequency attached by ClinVar (database versions not stated): gnomAD 0.00034 and 0.00046; TOPMed 0.00042; ExAC 0.00102; gnomAD exomes 0.00111; 1000 Genomes Project 30x 0.00234; 1000 Genomes Project 0.00260.
gnomAD v4.1: 475 of 1,604,880 alleles (0.03%); highest among the groups gnomAD compares: East Asian, 0.78%; 6 homozygotes.

Submissions (3):

Labcorp Genetics (formerly Invitae), Labcorp
Classification: Benign for Developmental and epileptic encephalopathy, 42; Episodic ataxia type 2. Last evaluated: 2026-02-02. Review status: criteria provided, single submitter. Criteria: Invitae Variant Classification Sherloc (09022015). Collection method: clinical testing. Allele origin: germline.

Fulgent Genetics
Classification: Likely benign for Episodic ataxia type 2; Migraine, familial hemiplegic, 1; Spinocerebellar ataxia type 6; Developmental and epileptic encephalopathy, 42. Last evaluated: 2022-01-05. Review status: criteria provided, single submitter. Criteria: ACMG Guidelines, 2015. Collection method: clinical testing. Allele origin: unknown.

GeneDx
Classification: Benign. Last evaluated: 2018-02-05. Review status: criteria provided, single submitter. Criteria: GeneDx Variant Classification (06012015). Collection method: clinical testing. Allele origin: germline. Affected: yes.
Comment: This variant is considered likely benign or benign based on one or more of the following criteria: it is a conservative change, it occurs at a poorly conserved position in the protein, it is predicted to be benign by multiple in silico algorithms, and/or has population frequency not consistent with disease.

NM_001127222.2(CACNA1A):c.1199-17G>C

Gene: CACNA1A (calcium voltage-gated channel subunit alpha1 A; minus strand). Cytogenetic location: 19p13.13.
Variant type: single nucleotide variant.
Coding change: c.1199-17G>C on transcript NM_001127222.2 (MANE Select); 17 bases into the intron before coding-DNA position 1199, G replaced by C.
Molecular consequence: intron variant.
Genome position (GRCh38, 1-based): chr19:13,332,942, C>G on the plus strand (G>C on the coding strand, the complement: CACNA1A is on the minus strand). VCF-style: chr19-13332942-C-G. GRCh37 (hg19) VCF-style: chr19-13443756-C-G.
Other names: c.1199-17G>C (NM_001127221.2, NM_001174080.2, NM_000068.4 and 1 more transcripts).
Identifiers: ClinVar variation 515030 (VCV000515030.10), dbSNP rs190836274, ClinGen allele CA9240883.